The following is an entry in ClinVar:

ClinVar aggregate classification (germline): Conflicting classifications of pathogenicity. Review status: criteria provided, conflicting classifications (1 of 4 stars). 2 submissions from 2 submitters: Uncertain significance (1); Likely benign (1). Last evaluated 2023-03-13.

Conditions:
Inborn genetic diseases. Identifiers: MedGen C0950123, MeSH D030342.

Allele frequency attached by ClinVar (database versions not stated): gnomAD exomes below 0.00001; TOPMed below 0.00001.
gnomAD v4.1: 1 of 1,614,056 alleles (0.000062%); highest among the groups gnomAD compares: African/African-American, 0.0013%; no homozygotes.

Submissions (2):

Ambry Genetics
Classification: Likely benign for Inborn genetic diseases. Last evaluated: 2023-03-13. Review status: criteria provided, single submitter. Criteria: Ambry Variant Classification Scheme 2023. Collection method: clinical testing. Allele origin: germline.

Labcorp Genetics (formerly Invitae), Labcorp
Classification: Uncertain significance. Last evaluated: 2023-01-28. Review status: criteria provided, single submitter. Criteria: Invitae Variant Classification Sherloc (09022015). Collection method: clinical testing. Allele origin: germline.
Comment: In summary, the available evidence is currently insufficient to determine the role of this variant in disease. Therefore, it has been classified as a Variant of Uncertain Significance. Advanced modeling of protein sequence and biophysical properties (such as structural, functional, and spatial information, amino acid conservation, physicochemical variation, residue mobility, and thermodynamic stability) performed at Invitae indicates that this missense variant is not expected to disrupt SCN3A protein function. This variant has not been reported in the literature in individuals affected with SCN3A-related conditions. This variant is not present in population databases (gnomAD no frequency). This sequence change replaces serine, which is neutral and polar, with glycine, which is neutral and non-polar, at codon 548 of the SCN3A protein (p.Ser548Gly).

NM_006922.4(SCN3A):c.1642A>G (p.Ser548Gly)

Gene: SCN3A (sodium voltage-gated channel alpha subunit 3; minus strand). Cytogenetic location: 2q24.3.
Variant type: single nucleotide variant.
Coding change: c.1642A>G on transcript NM_006922.4 (MANE Select); coding-DNA position 1642, A replaced by G.
Protein change: p.Ser548Gly; replaces serine 548 with glycine.
Molecular consequence: missense variant.
Genome position (GRCh38, 1-based): chr2:165,146,768, T>C on the plus strand (A>G on the coding strand, the complement: SCN3A is on the minus strand). VCF-style: chr2-165146768-T-C. GRCh37 (hg19) VCF-style: chr2-166003278-T-C.
Other names: c.1642A>G, p.Ser548Gly (NM_001081676.2, NM_001081677.2); short protein forms S548G.
Identifiers: ClinVar variation 2495503 (VCV002495503.5), dbSNP rs1688360581, ClinGen allele CA349236300.